The following is an entry in ClinVar:

NM_001292063.2(OTOG):c.4414A>C (p.Ser1472Arg)

Gene: OTOG (otogelin; plus strand). Cytogenetic location: 11p15.1.
Variant type: single nucleotide variant.
Coding change: c.4414A>C on transcript NM_001292063.2 (MANE Select); coding-DNA position 4414, A replaced by C.
Protein change: p.Ser1472Arg; replaces serine 1472 with arginine.
Molecular consequence: missense variant.
Genome position (GRCh38, 1-based): chr11:17,609,714, A>C. VCF-style: chr11-17609714-A-C. GRCh37 (hg19) VCF-style: chr11-17631261-A-C.
Other names: c.4450A>C, p.Ser1484Arg (NM_001277269.2); short protein forms S1472R, S1484R.
Identifiers: ClinVar variation 4685222 (VCV004685222.1).

ClinVar aggregate classification (germline): Uncertain significance (1 of 4 stars; one submission).

Submission:

GeneDx
Classification: Uncertain significance. Last evaluated: 2025-07-10. Review status: criteria provided, single submitter. Criteria: GeneDx Variant Classification Process June 2021. Collection method: clinical testing. Allele origin: germline. Affected: yes.
Comment: Not observed at significant frequency in large population cohorts (gnomAD); In silico analysis suggests that this missense variant does not alter protein structure/function; Has not been previously published as pathogenic or benign to our knowledge